The following is an entry in ClinVar:

ClinVar aggregate classification (germline): Conflicting classifications of pathogenicity. Review status: criteria provided, conflicting classifications (1 of 4 stars). 3 submissions from 2 submitters: Uncertain significance (2); Likely benign (1). Last evaluated 2025-03-17.

Conditions:
Distal arthrogryposis type 2B1 (DA2B1). Also called: Arthrogryposis multiplex congenita distal type II with craniofacial abnormalities. Identifiers: Orphanet 1147, MedGen C5193014, MONDO:0020820, OMIM 601680.
Freeman-Sheldon syndrome (DA2A). Also called: CRANIOCARPOTARSAL DYSPLASIA; CRANIOCARPOTARSAL DYSTROPHY; WHISTLING FACE-WINDMILL VANE HAND SYNDROME; Arthrogryposis, distal, type 2A (Freeman-Sheldon). Identifiers: Orphanet 2053, MedGen C0265224, MONDO:0008675, OMIM 193700.

Allele frequency attached by ClinVar (database versions not stated): TOPMed below 0.00001; gnomAD exomes 0.00001 and 0.00002; ExAC 0.00002.
gnomAD v4.1: 4 of 1,614,208 alleles (0.00025%); highest among the groups gnomAD compares: Non-Finnish European, 0.00034%; no homozygotes.

Submissions (3):

Labcorp Genetics (formerly Invitae), Labcorp
Classification: Uncertain significance. Last evaluated: 2025-03-17. Review status: criteria provided, single submitter. Criteria: Invitae Variant Classification Sherloc (09022015). Collection method: clinical testing. Allele origin: germline.
Comment: This sequence change replaces alanine, which is neutral and non-polar, with threonine, which is neutral and polar, at codon 1767 of the MYH3 protein (p.Ala1767Thr). This variant is present in population databases (rs773612935, gnomAD 0.004%). This variant has not been reported in the literature in individuals affected with MYH3-related conditions. ClinVar contains an entry for this variant (Variation ID: 321717). Invitae Evidence Modeling of protein sequence and biophysical properties (such as structural, functional, and spatial information, amino acid conservation, physicochemical variation, residue mobility, and thermodynamic stability) indicates that this missense variant is not expected to disrupt MYH3 protein function with a negative predictive value of 95%. In summary, the available evidence is currently insufficient to determine the role of this variant in disease. Therefore, it has been classified as a Variant of Uncertain Significance.

Illumina Laboratory Services, Illumina
Classification: Likely benign for Freeman-Sheldon syndrome. Last evaluated: 2018-01-12. Review status: criteria provided, single submitter. Criteria: ICSL Variant Classification Criteria 13 December 2019. Collection method: clinical testing. Allele origin: germline.
Comment: This variant was observed in the ICSL laboratory as part of a predisposition screen in an ostensibly healthy population. It had not been previously curated by ICSL or reported in the Human Gene Mutation Database (HGMD: prior to June 1st, 2018), and was therefore a candidate for classification through an automated scoring system. Utilizing variant allele frequency, disease prevalence and penetrance estimates, and inheritance mode, an automated score was calculated to assess if this variant is too frequent to cause the disease. Based on the score and internal cut-off values, a variant classified as likely benign is not then subjected to further curation. The score for this variant resulted in a classification of likely benign for this disease.

Illumina Laboratory Services, Illumina
Classification: Uncertain significance for Distal arthrogryposis type 2B1. Last evaluated: 2018-01-12. Review status: criteria provided, single submitter. Criteria: ICSL Variant Classification Criteria 13 December 2019. Collection method: clinical testing. Allele origin: germline.

NM_002470.4(MYH3):c.5299G>A (p.Ala1767Thr)

Gene: MYH3 (myosin heavy chain 3; minus strand). Cytogenetic location: 17p13.1.
Variant type: single nucleotide variant.
Coding change: c.5299G>A on transcript NM_002470.4 (MANE Select); coding-DNA position 5299, G replaced by A.
Protein change: p.Ala1767Thr; replaces alanine 1767 with threonine.
Molecular consequence: missense variant.
Genome position (GRCh38, 1-based): chr17:10,630,446, C>T on the plus strand (G>A on the coding strand, the complement: MYH3 is on the minus strand). VCF-style: chr17-10630446-C-T. GRCh37 (hg19) VCF-style: chr17-10533763-C-T.
Other names: short protein forms A1767T.
Identifiers: ClinVar variation 321717 (VCV000321717.9), dbSNP rs773612935, ClinGen allele CA8391970.